The following is an entry in ClinVar:

ClinVar aggregate classification (germline): Uncertain significance. Review status: criteria provided, multiple submitters, no conflicts (2 of 4 stars). 2 submissions from 2 submitters: Uncertain significance (2). Last evaluated 2024-03-06.

Conditions:
Cardiomyopathy (CMYO). Also called: Cardiomyopathies. Identifiers: Orphanet 167848, MedGen C0878544, MONDO:0004994, HP:0001638. Inheritance: Various modes of inheritance.
Arrhythmogenic right ventricular dysplasia 5. Also called: Arrhythmogenic Right Ventricular Dysplasia/Cardiomyopathy 5; ARRHYTHMOGENIC RIGHT VENTRICULAR DYSPLASIA, FAMILIAL, 5. Identifiers: MedGen C1858379, MONDO:0011459, OMIM 604400.

Submissions (2):

Color Diagnostics, LLC DBA Color Health
Classification: Uncertain significance for Cardiomyopathy. Last evaluated: 2024-03-06. Review status: criteria provided, single submitter. Criteria: ACMG Guidelines, 2015. Collection method: clinical testing. Allele origin: germline.
Comment: This missense variant replaces proline with alanine at codon 214 of the TMEM43 protein. Computational prediction suggests that this variant may not impact protein structure and function (internally defined REVEL score threshold <= 0.5, PMID: 27666373). To our knowledge, functional studies have not been reported for this variant. This variant has not been reported in individuals affected with cardiovascular disorders in the literature. This variant has not been identified in the general population by the Genome Aggregation Database (gnomAD). The available evidence is insufficient to determine the role of this variant in disease conclusively. Therefore, this variant is classified as a Variant of Uncertain Significance.

Labcorp Genetics (formerly Invitae), Labcorp
Classification: Uncertain significance for Arrhythmogenic right ventricular dysplasia 5. Last evaluated: 2022-07-06. Review status: criteria provided, single submitter. Criteria: Invitae Variant Classification Sherloc (09022015). Collection method: clinical testing. Allele origin: germline.
Comment: This variant has not been reported in the literature in individuals affected with TMEM43-related conditions. This sequence change replaces proline, which is neutral and non-polar, with alanine, which is neutral and non-polar, at codon 214 of the TMEM43 protein (p.Pro214Ala). This variant is not present in population databases (gnomAD no frequency). ClinVar contains an entry for this variant (Variation ID: 664319). Algorithms developed to predict the effect of missense changes on protein structure and function (SIFT, PolyPhen-2, Align-GVGD) all suggest that this variant is likely to be tolerated. In summary, the available evidence is currently insufficient to determine the role of this variant in disease. Therefore, it has been classified as a Variant of Uncertain Significance.

NM_024334.3(TMEM43):c.640C>G (p.Pro214Ala)

Gene: TMEM43 (transmembrane protein 43; plus strand). Cytogenetic location: 3p25.1.
Variant type: single nucleotide variant.
Coding change: c.640C>G on transcript NM_024334.3 (MANE Select); coding-DNA position 640, C replaced by G.
Protein change: p.Pro214Ala; replaces proline 214 with alanine.
Molecular consequence: missense variant.
Genome position (GRCh38, 1-based): chr3:14,134,826, C>G. VCF-style: chr3-14134826-C-G. GRCh37 (hg19) VCF-style: chr3-14176326-C-G.
Other names: short protein forms P214A.
Identifiers: ClinVar variation 664319 (VCV000664319.11), dbSNP rs1574939150, ClinGen allele CA351535548.